The following is an entry in ClinVar:

ClinVar aggregate classification (germline): Uncertain significance. Review status: criteria provided, multiple submitters, no conflicts (2 of 4 stars). 2 submissions from 2 submitters: Uncertain significance (2). Last evaluated 2025-06-02.

Allele frequency attached by ClinVar (database versions not stated): gnomAD 0.00001; TOPMed 0.00002.

Submissions (2):

Women's Health and Genetics/Laboratory Corporation of America, LabCorp
Classification: Uncertain significance. Last evaluated: 2025-06-02. Review status: criteria provided, single submitter. Criteria: LabCorp Variant Classification Summary - May 2015. Collection method: clinical testing. Allele origin: germline.
Comment: Variant summary: WHRN c.812_826del15 (p.Leu271_Asp276delinsHis) results in an in-frame deletion that is predicted to delete five amino acids, and alter one amino acid (at the juncture). The variant allele was found at a frequency of 1.2e-06 in 1606938 control chromosomes in the gnomAD database (v4.1 dataset). The available data on variant occurrences in the general population are insufficient to allow any conclusion about variant significance. To our knowledge, no occurrence of c.812_826del15 in individuals affected with Usher Syndrome and no experimental evidence demonstrating its impact on protein function have been reported. ClinVar contains an entry for this variant (Variation ID: 1965707). Based on the evidence outlined above, the variant was classified as uncertain significance.

Labcorp Genetics (formerly Invitae), Labcorp
Classification: Uncertain significance. Last evaluated: 2022-08-16. Review status: criteria provided, single submitter. Criteria: Invitae Variant Classification Sherloc (09022015). Collection method: clinical testing. Allele origin: germline.
Comment: This variant, c.812_826del, results in the deletion of 6 and insertion of 1 amino acid(s) of the WHRN protein (p.Leu271_Asp276delinsHis), but otherwise preserves the integrity of the reading frame. This variant is present in population databases (no rsID available, gnomAD 0.01%). This variant has not been reported in the literature in individuals affected with WHRN-related conditions. Experimental studies and prediction algorithms are not available or were not evaluated, and the functional significance of this variant is currently unknown. In summary, the available evidence is currently insufficient to determine the role of this variant in disease. Therefore, it has been classified as a Variant of Uncertain Significance.

NM_015404.4(WHRN):c.812_826del (p.Leu271_Asp276delinsHis)

Gene: WHRN (whirlin; minus strand). Cytogenetic location: 9q32.
Variant type: Deletion.
Coding change: c.812_826del on transcript NM_015404.4 (MANE Select); coding-DNA positions 812 to 826, 15 bases deleted (TCCTGCAAGGAGGGG).
Protein change: p.Leu271_Asp276delinsHis.
Molecular consequence: inframe indel. On other transcripts: 5 prime UTR variant (1).
Genome position (GRCh38, 1-based): chr9:114,478,564-114,478,578, CCCCTCCTTGCAGGA deleted on the plus strand (TCCTGCAAGGAGGGG on the coding strand, the reverse complement: WHRN is on the minus strand). VCF-style (leftmost placement, unchanged base first): chr9-114478563-TCCCCTCCTTGCAGGA-T. GRCh37 (hg19) VCF-style: chr9-117240843-TCCCCTCCTTGCAGGA-T.
Other names: c.812_826del15 (NM_015404.4); c.-338_-324del (NM_001083885.3); c.812_826del, p.Leu271_Asp276delinsHis (NM_001173425.2).
Identifiers: ClinVar variation 1965707 (VCV001965707.6), dbSNP rs1196616975, ClinGen allele CA590500624.